The following is an entry in ClinVar:

NM_003998.4(NFKB1):c.706G>A (p.Val236Ile)

Gene: NFKB1 (nuclear factor kappa B subunit 1; plus strand). Cytogenetic location: 4q24.
Variant type: single nucleotide variant.
Coding change: c.706G>A on transcript NM_003998.4 (MANE Select); coding-DNA position 706, G replaced by A.
Protein change: p.Val236Ile; replaces valine 236 with isoleucine.
Molecular consequence: missense variant.
Genome position (GRCh38, 1-based): chr4:102,579,015, G>A. VCF-style: chr4-102579015-G-A. GRCh37 (hg19) VCF-style: chr4-103500172-G-A.
Other names: c.706G>A (NM_003998.3); c.703G>A, p.Val235Ile (NM_001165412.2, NM_001319226.2, NM_001382627.1); c.706G>A, p.Val236Ile (NM_001382625.1, NM_001382626.1); c.664G>A, p.Val222Ile (NM_001382628.1); short protein forms V236I, V235I, V222I.
Identifiers: ClinVar variation 1993420 (VCV001993420.5), dbSNP rs993488882, ClinGen allele CA103128716.

ClinVar aggregate classification (germline): Uncertain significance. Review status: criteria provided, multiple submitters, no conflicts (2 of 4 stars). 2 submissions from 2 submitters: Uncertain significance (2). Last evaluated 2026-06-29.

Conditions:
Inborn genetic diseases. Identifiers: MedGen C0950123, MeSH D030342.

Allele frequency attached by ClinVar (database versions not stated): TOPMed 0.00001; gnomAD 0.00001; gnomAD exomes below 0.00001.
gnomAD v4.1: 4 of 1,613,960 alleles (0.00025%); highest among the groups gnomAD compares: African/African-American, 0.0013%; no homozygotes.

Submissions (2):

Ambry Genetics
Classification: Uncertain significance for Inborn genetic diseases. Last evaluated: 2026-06-29. Review status: criteria provided, single submitter. Criteria: Ambry Variant Classification Scheme 2023. Collection method: clinical testing. Allele origin: germline.

Labcorp Genetics (formerly Invitae), Labcorp
Classification: Uncertain significance. Last evaluated: 2023-11-25. Review status: criteria provided, single submitter. Criteria: Invitae Variant Classification Sherloc (09022015). Collection method: clinical testing. Allele origin: germline.
Comment: This sequence change replaces valine, which is neutral and non-polar, with isoleucine, which is neutral and non-polar, at codon 236 of the NFKB1 protein (p.Val236Ile). This variant is not present in population databases (gnomAD no frequency). This variant has not been reported in the literature in individuals affected with NFKB1-related conditions. ClinVar contains an entry for this variant (Variation ID: 1993420). An algorithm developed to predict the effect of missense changes on protein structure and function (PolyPhen-2) suggests that this variant is likely to be tolerated. In summary, the available evidence is currently insufficient to determine the role of this variant in disease. Therefore, it has been classified as a Variant of Uncertain Significance.